The following is an entry in ClinVar:

NM_000098.3(CPT2):c.1538C>A (p.Ser513Tyr)

Gene: CPT2 (carnitine palmitoyltransferase 2; plus strand). Cytogenetic location: 1p32.3.
Variant type: single nucleotide variant.
Coding change: c.1538C>A on transcript NM_000098.3 (MANE Select); coding-DNA position 1538, C replaced by A.
Protein change: p.Ser513Tyr; replaces serine 513 with tyrosine.
Molecular consequence: missense variant.
Genome position (GRCh38, 1-based): chr1:53,211,212, C>A. VCF-style: chr1-53211212-C-A. GRCh37 (hg19) VCF-style: chr1-53676884-C-A.
Other names: c.1538C>A, p.Ser513Tyr (NM_001330589.2); c.1538C>A (NM_000098.2); short protein forms S513Y.
Identifiers: ClinVar variation 1989303 (VCV001989303.3), dbSNP rs372368317, ClinGen allele CA859233.

ClinVar aggregate classification (germline): Uncertain significance. Review status: criteria provided, multiple submitters, no conflicts (2 of 4 stars). 3 submissions from 3 submitters: Uncertain significance (2). 1 of the submissions does not count toward it. Last evaluated 2025-08-28.

Conditions:
Inborn genetic diseases. Identifiers: MedGen C0950123, MeSH D030342.
Carnitine palmitoyltransferase II deficiency. Also called: Carnitine Palmitoyltransferase 2 Deficiency. Identifiers: Orphanet 157, MedGen C0342790, MONDO:0015515.

Allele frequency attached by ClinVar (database versions not stated): gnomAD 0.00001; TOPMed 0.00001; ESP Exome Variant Server 0.00008.

Submissions (3):

Ambry Genetics
Classification: Uncertain significance for Inborn genetic diseases. Last evaluated: 2025-08-28. Review status: criteria provided, single submitter. Criteria: Ambry Variant Classification Scheme 2023. Collection method: clinical testing. Allele origin: germline.

Labcorp Genetics (formerly Invitae), Labcorp
Classification: Uncertain significance for Carnitine palmitoyltransferase II deficiency. Last evaluated: 2021-12-09. Review status: criteria provided, single submitter. Criteria: Invitae Variant Classification Sherloc (09022015). Collection method: clinical testing. Allele origin: germline.
Comment: This sequence change replaces serine, which is neutral and polar, with tyrosine, which is neutral and polar, at codon 513 of the CPT2 protein (p.Ser513Tyr). This variant is present in population databases (rs372368317, gnomAD 0.007%). This variant has not been reported in the literature in individuals affected with CPT2-related conditions. Advanced modeling of protein sequence and biophysical properties (such as structural, functional, and spatial information, amino acid conservation, physicochemical variation, residue mobility, and thermodynamic stability) performed at Invitae indicates that this missense variant is expected to disrupt CPT2 protein function. In summary, the available evidence is currently insufficient to determine the role of this variant in disease. Therefore, it has been classified as a Variant of Uncertain Significance.

Natera, Inc.
Classification: Uncertain significance for Carnitine palmitoyltransferase II deficiency. Last evaluated: 2025-05-30. Review status: no assertion criteria provided. Collection method: clinical testing. Allele origin: germline. Not counted in ClinVar's aggregate classification.